The following is an entry in ClinVar:

NM_001291415.2(KDM6A):c.1678C>A (p.His560Asn)

Gene: KDM6A (lysine demethylase 6A; plus strand). Cytogenetic location: Xp11.3.
Variant type: single nucleotide variant.
Coding change: c.1678C>A on transcript NM_001291415.2 (MANE Select); coding-DNA position 1678, C replaced by A.
Protein change: p.His560Asn; replaces histidine 560 with asparagine.
Molecular consequence: missense variant. On other transcripts: intron variant (6).
Genome position (GRCh38, 1-based): chrX:45,062,743, C>A. VCF-style: chrX-45062743-C-A. GRCh37 (hg19) VCF-style: chrX-44921988-C-A.
Other names: c.1543C>A, p.His515Asn (NM_001291416.2, NM_001419811.1); c.1387C>A, p.His463Asn (NM_001291417.2); c.634C>A, p.His212Asn (NM_001291421.2); c.1678C>A, p.His560Asn (NM_001419809.1); c.1522C>A, p.His508Asn (NM_001419812.1, NM_021140.4); c.1582-679C>A (NM_001419810.1, NM_001419813.1); c.1426-679C>A (NM_001419814.1, NM_001410742.1); c.1291-679C>A (NM_001419815.1, NM_001291418.2); short protein forms H212N, H463N, H508N, H515N, H560N.
Identifiers: ClinVar variation 3638240 (VCV003638240.2).

ClinVar aggregate classification (germline): Uncertain significance (1 of 4 stars; one submission).

Conditions:
Kabuki syndrome 2 (KABUK2). Also called: KDM6A-Related Kabuki Syndrome. Identifiers: Orphanet 2322, MedGen C3275495, MONDO:0010465, OMIM 300867.

Submission:

Labcorp Genetics (formerly Invitae), Labcorp
Classification: Uncertain significance for Kabuki syndrome 2. Last evaluated: 2024-02-02. Review status: criteria provided, single submitter. Criteria: Invitae Variant Classification Sherloc (09022015). Collection method: clinical testing. Allele origin: germline.
Comment: This sequence change replaces histidine, which is basic and polar, with asparagine, which is neutral and polar, at codon 508 of the KDM6A protein (p.His508Asn). This variant is not present in population databases (gnomAD no frequency). This variant has not been reported in the literature in individuals affected with KDM6A-related conditions. Advanced modeling of protein sequence and biophysical properties (such as structural, functional, and spatial information, amino acid conservation, physicochemical variation, residue mobility, and thermodynamic stability) performed at Invitae indicates that this missense variant is not expected to disrupt KDM6A protein function with a negative predictive value of 80%. In summary, the available evidence is currently insufficient to determine the role of this variant in disease. Therefore, it has been classified as a Variant of Uncertain Significance.